The following is an entry in ClinVar:

ClinVar aggregate classification (germline): Uncertain significance (1 of 4 stars; one submission).

gnomAD v4.1: 4 of 1,614,148 alleles (0.00025%); highest among the groups gnomAD compares: Non-Finnish European, 0.000085%; no homozygotes.

Submission:

GeneDx
Classification: Uncertain significance. Last evaluated: 2017-10-30. Review status: criteria provided, single submitter. Criteria: GeneDx Variant Classification (06012015). Collection method: clinical testing. Allele origin: germline. Affected: yes.
Comment: The R860S variant in the MYH6 gene has not been reported previously as a pathogenic variant, nor as a benign variant, to our knowledge. The R860S variant is not observed in large population cohorts (Lek et al., 2016). The R860S variant is a semi-conservative amino acid substitution, which may impact secondary protein structure as these residues differ in some properties. This substitution occurs at a position that is conserved in mammals. In silico analysis is inconsistent in its predictions as to whether or not the variant is damaging to the protein structure/function. We interpret R860S as a variant of uncertain significance

NM_002471.4(MYH6):c.2578C>A (p.Arg860Ser)

Gene: MYH6 (myosin heavy chain 6; minus strand). Cytogenetic location: 14q11.2.
Variant type: single nucleotide variant.
Coding change: c.2578C>A on transcript NM_002471.4 (MANE Select); coding-DNA position 2578, C replaced by A.
Protein change: p.Arg860Ser; replaces arginine 860 with serine.
Molecular consequence: missense variant.
Genome position (GRCh38, 1-based): chr14:23,394,175, G>T on the plus strand (C>A on the coding strand, the complement: MYH6 is on the minus strand). VCF-style: chr14-23394175-G-T. GRCh37 (hg19) VCF-style: chr14-23863384-G-T.
Other names: short protein forms R860S.
Identifiers: ClinVar variation 453055 (VCV000453055.2), dbSNP rs1025146248, ClinGen allele CA389014225.